The following is an entry in ClinVar:

ClinVar aggregate classification (germline): Uncertain significance. Review status: criteria provided, single submitter (1 of 4 stars). 2 submissions from 2 submitters: Uncertain significance (1). 1 of the submissions does not count toward it. Last evaluated 2024-02-06.

Conditions:
Bloom syndrome (BLM). Also called: Bloom-Torre-Machacek syndrome. Identifiers: Orphanet 125, MedGen C0005859, MONDO:0008876, OMIM 210900.

Allele frequency attached by ClinVar (database versions not stated): ExAC 0.00001.

Submissions (2):

Labcorp Genetics (formerly Invitae), Labcorp
Classification: Uncertain significance for Bloom syndrome. Last evaluated: 2024-02-06. Review status: criteria provided, single submitter. Criteria: Invitae Variant Classification Sherloc (09022015). Collection method: clinical testing. Allele origin: germline.
Comment: This sequence change replaces proline, which is neutral and non-polar, with serine, which is neutral and polar, at codon 5 of the BLM protein (p.Pro5Ser). This variant is not present in population databases (gnomAD no frequency). This variant has not been reported in the literature in individuals affected with BLM-related conditions. ClinVar contains an entry for this variant (Variation ID: 576951). An algorithm developed to predict the effect of missense changes on protein structure and function (PolyPhen-2) suggests that this variant is likely to be disruptive. In summary, the available evidence is currently insufficient to determine the role of this variant in disease. Therefore, it has been classified as a Variant of Uncertain Significance.

Natera, Inc.
Classification: Uncertain significance for Bloom syndrome. Last evaluated: 2025-04-20. Review status: no assertion criteria provided. Collection method: clinical testing. Allele origin: germline. Not counted in ClinVar's aggregate classification.

NM_000057.4(BLM):c.13C>T (p.Pro5Ser)

Gene: BLM (BLM RecQ like helicase; plus strand). Cytogenetic location: 15q26.1.
Variant type: single nucleotide variant.
Coding change: c.13C>T on transcript NM_000057.4 (MANE Select); coding-DNA position 13, C replaced by T.
Protein change: p.Pro5Ser; replaces proline 5 with serine.
Molecular consequence: missense variant. On other transcripts: 5 prime UTR variant (1).
Genome position (GRCh38, 1-based): chr15:90,747,405, C>T. VCF-style: chr15-90747405-C-T. GRCh37 (hg19) VCF-style: chr15-91290635-C-T.
Other names: c.13C>T, p.Pro5Ser (NM_001287246.2, NM_001287247.2); c.-1279C>T (NM_001287248.2); short protein forms P5S.
Identifiers: ClinVar variation 576951 (VCV000576951.8), dbSNP rs760982604, ClinGen allele CA7738224.
Genomic context (GRCh38, chr15:90,747,405, plus strand): 5'-CAAAGTACCTAACTCCACTGATTTCTTTTTCCCTCACTTTTTAGGATTATGGCTGCTGTT[C>T]CTCAAAATAATCTACAGGAGCAACTAGAACGTCACTCAGCCAGAACACTTAATAATAAAT-3'
Protein context (NP_000048.1, residues 1-15): MAAV[Pro5Ser]QNNLQEQLER